The following is an entry in ClinVar:

NM_001352514.2(HLCS):c.1438-271T>C

Gene: HLCS (holocarboxylase synthetase; minus strand). Cytogenetic location: 21q22.13.
Variant type: single nucleotide variant.
Coding change: c.1438-271T>C on transcript NM_001352514.2 (MANE Select); 271 bases into the intron before coding-DNA position 1438, T replaced by C.
Molecular consequence: intron variant.
Genome position (GRCh38, 1-based): chr21:36,930,704, A>G on the plus strand (T>C on the coding strand, the complement: HLCS is on the minus strand). VCF-style: chr21-36930704-A-G. GRCh37 (hg19) VCF-style: chr21-38303004-A-G.
Other names: c.997-271T>C (NM_001352517.1, NM_001242785.2, NM_001352515.2 and 4 more transcripts).
Identifiers: ClinVar variation 674262 (VCV000674262.1), dbSNP rs115523996, ClinGen allele CA320390996.
Genomic context (GRCh38, chr21:36,930,704, plus strand): 5'-CAAAAAATTTCTTTACCAGTTTTCTTCTCCAAGTGAGCACATCACACCCAGATAGCTCAT[A>G]GCTTTGCTCTCCTCTGAAAATTAAGGGACACAGTATAACCCACAAGAGAAAACTTGAACA-3'

ClinVar aggregate classification (germline): Likely benign (1 of 4 stars; one submission).

Allele frequency attached by ClinVar (database versions not stated): gnomAD 0.00990 and 0.01068; 1000 Genomes Project 0.01038; 1000 Genomes Project 30x 0.01062; TOPMed 0.01167.
gnomAD v4.1: 1,495 of 152,258 alleles (0.98%); highest among the groups gnomAD compares: African/African-American, 3.4%; 23 homozygotes.

Submission:

GeneDx
Classification: Likely benign. Last evaluated: 2018-06-19. Review status: criteria provided, single submitter. Criteria: GeneDx Variant Classification (06012015). Collection method: clinical testing. Allele origin: germline. Affected: yes.
Comment: This variant is considered likely benign or benign based on one or more of the following criteria: it is a conservative change, it occurs at a poorly conserved position in the protein, it is predicted to be benign by multiple in silico algorithms, and/or has population frequency not consistent with disease.